The following is an entry in ClinVar:

ClinVar aggregate classification (germline): Likely benign. Review status: criteria provided, multiple submitters, no conflicts (2 of 4 stars). 3 submissions from 3 submitters: Likely benign (3). Last evaluated 2025-12-26.

Conditions:
LAMA2-related muscular dystrophy (LAMA2-RD). Also called: Laminin alpha 2-related dystrophy. Identifiers: MedGen C5679788, MONDO:0100228.

Allele frequency attached by ClinVar (database versions not stated): gnomAD exomes below 0.00001 and 0.00001; TOPMed below 0.00001; ExAC 0.00001.
gnomAD v4.1: 4 of 1,521,698 alleles (0.00026%); highest among the groups gnomAD compares: Non-Finnish European, 0.00036%; no homozygotes.

Submissions (3):

Women's Health and Genetics/Laboratory Corporation of America, LabCorp
Classification: Likely benign. Last evaluated: 2025-12-26. Review status: criteria provided, single submitter. Criteria: LabCorp Variant Classification Summary - May 2015. Collection method: clinical testing. Allele origin: germline.
Comment: Variant summary: LAMA2 c.3175-22G>A is located at a position not widely known to affect splicing. Consensus agreement among computation tools predict no significant impact on normal splicing. However, these predictions have yet to be confirmed by functional studies. The variant allele was found at a frequency of 8e-06 in 250454 control chromosomes. The available data on variant occurrences in the general population are insufficient to allow any conclusion about variant significance. c.3175-22G>A has been observed as a non-informative genotype (second allele not specified) in an individual affected with laminin-2 related Congenital muscular dystrophy (example: Sframeli_2017). These report(s) do not provide unequivocal conclusions about association of the variant with Laminin Alpha 2-Related Dystrophy. To our knowledge, no experimental evidence demonstrating an impact on protein function has been reported. The following publication has been ascertained in the context of this evaluation (PMID: 28688748). ClinVar contains an entry for this variant (Variation ID: 256065). Based on the evidence outlined above, the variant was classified as likely benign.

Labcorp Genetics (formerly Invitae), Labcorp
Classification: Likely benign for LAMA2-related muscular dystrophy. Last evaluated: 2022-06-13. Review status: criteria provided, single submitter. Criteria: Invitae Variant Classification Sherloc (09022015). Collection method: clinical testing. Allele origin: germline.

PreventionGenetics, part of Exact Sciences
Classification: Likely benign. Review status: criteria provided, single submitter. Criteria: ACMG Guidelines, 2015. Collection method: clinical testing. Allele origin: germline.

Literature cited by the submitters: PubMed 28688748 (cited by Women's Health and Genetics/Laboratory Corporation of America, LabCorp).

NM_000426.4(LAMA2):c.3175-22G>A

Gene: LAMA2 (laminin subunit alpha 2; plus strand). Cytogenetic location: 6q22.33.
Variant type: single nucleotide variant.
Coding change: c.3175-22G>A on transcript NM_000426.4 (MANE Select); 22 bases into the intron before coding-DNA position 3175, G replaced by A.
Molecular consequence: intron variant.
Genome position (GRCh38, 1-based): chr6:129,312,839, G>A. VCF-style: chr6-129312839-G-A. GRCh37 (hg19) VCF-style: chr6-129633984-G-A.
Other names: c.3175-22G>A (NM_001079823.2).
Identifiers: ClinVar variation 256065 (VCV000256065.7), dbSNP rs777129293, ClinGen allele CA3993199.